The following is an entry in ClinVar:

ClinVar aggregate classification (germline): Uncertain significance (1 of 4 stars; one submission).

Submission:

Ambry Genetics
Classification: Uncertain significance. Last evaluated: 2025-06-10. Review status: criteria provided, single submitter. Criteria: Ambry Variant Classification Scheme 2023. Collection method: clinical testing. Allele origin: germline.
Comment: The p.C866Y variant (also known as c.2597G>A), located in coding exon 13 of the GEN1 gene, results from a G to A substitution at nucleotide position 2597. The cysteine at codon 866 is replaced by tyrosine, an amino acid with highly dissimilar properties. This amino acid position is conserved. In addition, this alteration is predicted to be tolerated by in silico analysis. Based on the available evidence, the clinical significance of this variant remains unclear.

NM_001130009.3(GEN1):c.2597G>A (p.Cys866Tyr)

Gene: GEN1 (GEN1 Holliday junction 5' flap endonuclease; plus strand). Cytogenetic location: 2p24.2.
Variant type: single nucleotide variant.
Coding change: c.2597G>A on transcript NM_001130009.3 (MANE Select); coding-DNA position 2597, G replaced by A.
Protein change: p.Cys866Tyr; replaces cysteine 866 with tyrosine.
Molecular consequence: missense variant.
Genome position (GRCh38, 1-based): chr2:17,781,809, G>A. VCF-style: chr2-17781809-G-A. GRCh37 (hg19) VCF-style: chr2-17963076-G-A.
Other names: c.2597G>A, p.Cys866Tyr (NM_182625.5); short protein forms C866Y.
Identifiers: ClinVar variation 4029340 (VCV004029340.1).